The following is an entry in ClinVar:

NM_001199107.2(TBC1D24):c.1529G>A (p.Gly510Glu)

Gene: TBC1D24 (TBC1 domain family member 24; plus strand). Cytogenetic location: 16p13.3.
Variant type: single nucleotide variant.
Coding change: c.1529G>A on transcript NM_001199107.2 (MANE Select); coding-DNA position 1529, G replaced by A.
Protein change: p.Gly510Glu; replaces glycine 510 with glutamic acid.
Molecular consequence: missense variant.
Genome position (GRCh38, 1-based): chr16:2,500,807, G>A. VCF-style: chr16-2500807-G-A. GRCh37 (hg19) VCF-style: chr16-2550808-G-A.
Other names: c.1511G>A, p.Gly504Glu (NM_020705.3); short protein forms G510E, G504E.
Identifiers: ClinVar variation 505833 (VCV000505833.7), dbSNP rs755880523, ClinGen allele CA7844335.

ClinVar aggregate classification (germline): Uncertain significance. Review status: criteria provided, multiple submitters, no conflicts (2 of 4 stars). 2 submissions from 2 submitters: Uncertain significance (2). Last evaluated 2022-01-12.

gnomAD v4.1: 2 of 1,604,120 alleles (0.00012%); highest among the groups gnomAD compares: South Asian, 0.0022%; no homozygotes.

Submissions (2):

GeneDx
Classification: Uncertain significance. Last evaluated: 2022-01-12. Review status: criteria provided, single submitter. Criteria: GeneDx Variant Classification Process June 2021. Collection method: clinical testing. Allele origin: germline. Affected: yes.
Comment: Not observed at significant frequency in large population cohorts (gnomAD); In silico analysis supports that this missense variant has a deleterious effect on protein structure/function; Has not been previously published as pathogenic or benign to our knowledge

Laboratory for Molecular Medicine, Mass General Brigham Personalized Medicine
Classification: Uncertain significance. Last evaluated: 2017-11-13. Review status: criteria provided, single submitter. Criteria: LMM Criteria. Collection method: clinical testing. Allele origin: germline. Observed: 2 variant alleles.
Comment: Variant classified as Uncertain Significance - Favor Pathogenic. It has been identifi ed in 1/52804 of European chromosomes by the Exome Aggregation Consortium (ExAC; dbSNP rs755880523). Computational prediction to ols and conservation analysis suggest that the p.Gly510Glu variant may impact th e protein, though this information is not predictive enough to determine pathoge nicity. In summary, while there is some suspicion for a pathogenic role, the cli nical significance of this variant is uncertain. ACMG/AMP Criteria applied: PM2, PM3, PP3.